The following is an entry in ClinVar:

ClinVar aggregate classification (germline): Uncertain significance (1 of 4 stars; one submission).

Conditions:
Hypertrophic cardiomyopathy. Also called: HYPERTROPHIC MYOCARDIOPATHY. Identifiers: Orphanet 217569, MedGen C0007194, MeSH D002312, MONDO:0005045, HP:0001639.

Submission:

Labcorp Genetics (formerly Invitae), Labcorp
Classification: Uncertain significance for Hypertrophic cardiomyopathy. Last evaluated: 2022-03-23. Review status: criteria provided, single submitter. Criteria: Invitae Variant Classification Sherloc (09022015). Collection method: clinical testing. Allele origin: germline.
Comment: ClinVar contains an entry for this variant (Variation ID: 454344). This variant has not been reported in the literature in individuals affected with MYH7-related conditions. This variant is not present in population databases (gnomAD no frequency). This sequence change replaces alanine, which is neutral and non-polar, with aspartic acid, which is acidic and polar, at codon 519 of the MYH7 protein (p.Ala519Asp). In summary, the available evidence is currently insufficient to determine the role of this variant in disease. Therefore, it has been classified as a Variant of Uncertain Significance. Algorithms developed to predict the effect of missense changes on protein structure and function (SIFT, PolyPhen-2, Align-GVGD) all suggest that this variant is likely to be disruptive.

NM_000257.4(MYH7):c.1556C>A (p.Ala519Asp)

Gene: MYH7 (myosin heavy chain 7; minus strand). Cytogenetic location: 14q11.2.
Variant type: single nucleotide variant.
Coding change: c.1556C>A on transcript NM_000257.4 (MANE Select); coding-DNA position 1556, C replaced by A.
Protein change: p.Ala519Asp; replaces alanine 519 with aspartic acid.
Molecular consequence: missense variant.
Genome position (GRCh38, 1-based): chr14:23,428,522, G>T on the plus strand (C>A on the coding strand, the complement: MYH7 is on the minus strand). VCF-style: chr14-23428522-G-T. GRCh37 (hg19) VCF-style: chr14-23897731-G-T.
Other names: short protein forms A519D.
Identifiers: ClinVar variation 454344 (VCV000454344.8), dbSNP rs1555338241, ClinGen allele CA389050332.
Genomic context (GRCh38, chr14:23,428,522, plus strand): 5'-GTGCAGGGAGAATTCAGGTGGTAAGGCCAAAGAGGCACCTTCTCGATGAGGTCAATGCAG[G>T]CCTGCAGGTCCATGCCAAAGTCAATGAATGTCCACTCGATGCCCTCCTTCTTGTACTCCT-3'
Protein context (NP_000248.2, residues 509-529): TFIDFGMDLQ[Ala519Asp]CIDLIEKPMG